The following is an entry in ClinVar:

NM_001040716.2(PC):c.342_343insTTATATT (p.His115fs)

Gene: PC (pyruvate carboxylase; minus strand). Cytogenetic location: 11q13.2.
Variant type: Insertion.
Coding change: c.342_343insTTATATT on transcript NM_001040716.2 (MANE Select); coding-DNA positions 342 to 343, TTATATT inserted.
Protein change: p.His115fs; shifts the reading frame from histidine 115.
Molecular consequence: frameshift variant.
Genome position: GRCh38 VCF-style: chr11-66871459-G-GAATATAA. GRCh37 (hg19) VCF-style: chr11-66638930-G-GAATATAA.
Other names: c.342_343insTTATATT, p.His115fs (NM_000920.4, NM_022172.3); short protein forms H115fs.
Identifiers: ClinVar variation 1726731 (VCV001726731.2), dbSNP rs2495790661, ClinGen allele CA2580084592.

ClinVar aggregate classification (germline): Likely pathogenic (1 of 4 stars; one submission).

Conditions:
Pyruvate carboxylase deficiency. Also called: ATAXIA WITH LACTIC ACIDOSIS II; LEIGH NECROTIZING ENCEPHALOPATHY DUE TO PYRUVATE CARBOXYLASE DEFICIENCY; LEIGH SYNDROME DUE TO PYRUVATE CARBOXYLASE DEFICIENCY; PC DEFICIENCY; Pyruvate Carboxylase Deficiency Disease. Identifiers: Orphanet 3008, MedGen C0034341, MONDO:0009949, OMIM 266150.

Submission:

Myriad Genetics, Inc.
Classification: Likely pathogenic for Pyruvate carboxylase deficiency. Last evaluated: 2021-12-31. Review status: criteria provided, single submitter. Criteria: Myriad Women's Health Autosomal Recessive and X-Linked Classification Criteria (2021). Collection method: clinical testing. Allele origin: unknown.
Comment: NM_000920.3(PC):c.342_343ins7(H115Lfs*11) is expected to be pathogenic in the context of pyruvate carboxylase deficiency. This variant is predicted to lead to an abnormal or absent protein product due to the creation of a premature termination codon in PC, a gene where loss-of-function variants are known to be pathogenic. Please note: this variant was assessed in the context of healthy population screening.